The following is an entry in ClinVar:

NM_024740.2(ALG9):c.375A>G (p.Ala125=)

Gene: ALG9 (ALG9 alpha-1,2-mannosyltransferase; minus strand). Cytogenetic location: 11q23.1.
Variant type: single nucleotide variant.
Coding change: c.375A>G on transcript NM_024740.2 (MANE Select); coding-DNA position 375, A replaced by G.
Protein change: p.Ala125=; no amino-acid change (alanine 125 retained).
Molecular consequence: synonymous variant. On other transcripts: 5 prime UTR variant (15), non-coding transcript variant (1).
Genome position (GRCh38, 1-based): chr11:111,868,632, T>C on the plus strand (A>G on the coding strand, the complement: ALG9 is on the minus strand). VCF-style: chr11-111868632-T-C. GRCh37 (hg19) VCF-style: chr11-111739355-T-C.
Other names: c.375A>G, p.Ala125= (NM_001077690.1, NM_001352417.1, NM_001352418.1); c.-139A>G (NM_001077691.2, NM_001077692.2, NM_001352409.1 and 11 more transcripts); c.-357A>G (NM_001352422.2).
Identifiers: ClinVar variation 511693 (VCV000511693.1), dbSNP rs782009385, ClinGen allele CA658797795.

ClinVar aggregate classification (germline): Likely benign (1 of 4 stars; one submission).

Allele frequency attached by ClinVar (database versions not stated): gnomAD exomes below 0.00001.
gnomAD v4.1: 1 of 1,614,026 alleles (0.000062%); highest among the groups gnomAD compares: South Asian, 0.0011%; no homozygotes.

Submission:

GeneDx
Classification: Likely benign. Last evaluated: 2017-09-12. Review status: criteria provided, single submitter. Criteria: GeneDx Variant Classification (06012015). Collection method: clinical testing. Allele origin: germline. Affected: yes.
Comment: This variant is considered likely benign or benign based on one or more of the following criteria: it is a conservative change, it occurs at a poorly conserved position in the protein, it is predicted to be benign by multiple in silico algorithms, and/or has population frequency not consistent with disease.